The following is an entry in ClinVar:

ClinVar aggregate classification (germline): Uncertain significance (1 of 4 stars; one submission).

Conditions:
Hereditary spastic paraplegia 28. Also called: Spastic paraplegia 28, autosomal recessive. Identifiers: Orphanet 101008, MedGen C1836295, MONDO:0012256, OMIM 609340.

gnomAD v4.1: 1 of 1,607,148 alleles (0.000062%); highest among the groups gnomAD compares: African/African-American, 0.0013%; no homozygotes.

Submission:

Labcorp Genetics (formerly Invitae), Labcorp
Classification: Uncertain significance for Hereditary spastic paraplegia 28. Last evaluated: 2022-10-24. Review status: criteria provided, single submitter. Criteria: Invitae Variant Classification Sherloc (09022015). Collection method: clinical testing. Allele origin: germline.
Comment: In summary, the available evidence is currently insufficient to determine the role of this variant in disease. Therefore, it has been classified as a Variant of Uncertain Significance. Advanced modeling of protein sequence and biophysical properties (such as structural, functional, and spatial information, amino acid conservation, physicochemical variation, residue mobility, and thermodynamic stability) performed at Invitae indicates that this missense variant is not expected to disrupt DDHD1 protein function. This variant has not been reported in the literature in individuals affected with DDHD1-related conditions. This variant is not present in population databases (gnomAD no frequency). This sequence change replaces threonine, which is neutral and polar, with serine, which is neutral and polar, at codon 469 of the DDHD1 protein (p.Thr469Ser).

NM_001160148.2(DDHD1):c.1385C>G (p.Thr462Ser)

Gene: DDHD1 (DDHD domain containing 1; minus strand). Cytogenetic location: 14q22.1.
Variant type: single nucleotide variant.
Coding change: c.1385C>G on transcript NM_001160148.2 (MANE Select); coding-DNA position 1385, C replaced by G.
Protein change: p.Thr462Ser; replaces threonine 462 with serine.
Molecular consequence: missense variant.
Genome position (GRCh38, 1-based): chr14:53,073,752, G>C on the plus strand (C>G on the coding strand, the complement: DDHD1 is on the minus strand). VCF-style: chr14-53073752-G-C. GRCh37 (hg19) VCF-style: chr14-53540470-G-C.
Other names: c.1406C>G, p.Thr469Ser (NM_001160147.2); c.1385C>G, p.Thr462Ser (NM_030637.3); short protein forms T469S, T462S.
Identifiers: ClinVar variation 1903924 (VCV001903924.5), dbSNP rs1318931375, ClinGen allele CA389764597.